The following is an entry in ClinVar:

NM_000368.5(TSC1):c.1141+3A>G

Gene: TSC1 (TSC complex subunit 1; minus strand). Cytogenetic location: 9q34.13.
Variant type: single nucleotide variant.
Coding change: c.1141+3A>G on transcript NM_000368.5 (MANE Select); 3 bases into the intron after coding-DNA position 1141, A replaced by G.
Molecular consequence: intron variant.
Genome position (GRCh38, 1-based): chr9:132,910,999, T>C on the plus strand (A>G on the coding strand, the complement: TSC1 is on the minus strand). VCF-style: chr9-132910999-T-C. GRCh37 (hg19) VCF-style: chr9-135786386-T-C.
Other names: c.778+3A>G (NM_001362177.2); c.988+3A>G (NM_001162427.2); c.1141+3A>G (NM_001162426.2).
Identifiers: ClinVar variation 1731305 (VCV001731305.7), dbSNP rs2131956082, ClinGen allele CA2580079993.

ClinVar aggregate classification (germline): Likely pathogenic. Review status: criteria provided, multiple submitters, no conflicts (2 of 4 stars). 2 submissions from 2 submitters: Likely pathogenic (2). Last evaluated 2026-07-01.

Conditions:
Tuberous sclerosis 1 (TSC1). Identifiers: Orphanet 805, MedGen C1854465, MONDO:0008612, OMIM 191100.
Hereditary cancer-predisposing syndrome. Also called: Hereditary Cancer Syndrome; Hereditary neoplastic syndrome; Neoplastic Syndromes, Hereditary; Tumor predisposition. Identifiers: Orphanet 140162, MedGen C0027672, MeSH D009386, MONDO:0015356.

Submissions (2):

Ambry Genetics
Classification: Likely pathogenic for Hereditary cancer-predisposing syndrome. Last evaluated: 2026-07-01. Review status: criteria provided, single submitter. Criteria: Ambry Variant Classification Scheme 2023. Collection method: clinical testing. Allele origin: germline.
Comment: The c.1141+3A>G intronic variant results from an A to G substitution 3 nucleotides after coding exon 9 in the TSC1 gene. This variant was identified in an individual with features consistent with Tuberous sclerosis complex (external communication). This nucleotide position is well conserved in available vertebrate species. In silico splice site analysis predicts that this alteration will weaken the native splice donor site. RNA studies have demonstrated that this variant results in abnormal splicing in the set of samples tested (Ambry internal data). This variant is considered to be rare based on population cohorts in the Genome Aggregation Database (gnomAD). Based on the majority of available evidence to date, this variant is likely to be pathogenic.

Labcorp Genetics (formerly Invitae), Labcorp
Classification: Likely pathogenic for Tuberous sclerosis 1. Last evaluated: 2024-09-09. Review status: criteria provided, single submitter. Criteria: Invitae Variant Classification Sherloc (09022015). Collection method: clinical testing. Allele origin: germline.
Comment: This sequence change falls in intron 11 of the TSC1 gene. It does not directly change the encoded amino acid sequence of the TSC1 protein. RNA analysis indicates that this variant induces altered splicing and may result in an absent or altered protein product. This variant is not present in population databases (gnomAD no frequency). This variant has been observed in individual(s) with clinical features of tuberous sclerosis complex (internal data). ClinVar contains an entry for this variant (Variation ID: 1731305). Variants that disrupt the consensus splice site are a relatively common cause of aberrant splicing (PMID: 17576681, 9536098). Studies have shown that this variant results in skipping of exon 11 and part of exon 12, and produces a non-functional protein and/or introduces a premature termination codon (internal data). In summary, the currently available evidence indicates that the variant is pathogenic, but additional data are needed to prove that conclusively. Therefore, this variant has been classified as Likely Pathogenic.

Literature cited by the submitters: PubMed 17576681 (cited by Labcorp Genetics (formerly Invitae), Labcorp); PubMed 9536098 (cited by Labcorp Genetics (formerly Invitae), Labcorp).